The following is an entry in ClinVar:

ClinVar aggregate classification (germline): Uncertain significance (1 of 4 stars; one submission).

Conditions:
Kabuki syndrome. Also called: NIIKAWA-KUROKI SYNDROME; Kabuki make-up syndrome. Identifiers: Orphanet 2322, MedGen C0796004, MONDO:0016512.

gnomAD v4.1: 34 of 1,590,212 alleles (0.0021%); highest among the groups gnomAD compares: African/African-American, 0.0027%; no homozygotes.

Submission:

Labcorp Genetics (formerly Invitae), Labcorp
Classification: Uncertain significance for Kabuki syndrome. Last evaluated: 2025-12-07. Review status: criteria provided, single submitter. Criteria: Invitae Variant Classification Sherloc (09022015). Collection method: clinical testing. Allele origin: germline.
Comment: This sequence change replaces valine, which is neutral and non-polar, with leucine, which is neutral and non-polar, at codon 5263 of the KMT2D protein (p.Val5263Leu). The frequency data for this variant in the population databases is considered unreliable, as metrics indicate poor data quality at this position in the gnomAD database. This variant has not been reported in the literature in individuals affected with KMT2D-related conditions. ClinVar contains an entry for this variant (Variation ID: 2077919). Experimental studies and prediction algorithms are not available or were not evaluated, and the functional significance of this variant is currently unknown. In summary, the available evidence is currently insufficient to determine the role of this variant in disease. Therefore, it has been classified as a Variant of Uncertain Significance.

NM_003482.4(KMT2D):c.15787G>T (p.Val5263Leu)

Gene: KMT2D (lysine methyltransferase 2D; minus strand). Cytogenetic location: 12q13.12.
Variant type: single nucleotide variant.
Coding change: c.15787G>T on transcript NM_003482.4 (MANE Select); coding-DNA position 15787, G replaced by T.
Protein change: p.Val5263Leu; replaces valine 5263 with leucine.
Molecular consequence: missense variant.
Genome position (GRCh38, 1-based): chr12:49,024,944, C>A on the plus strand (G>T on the coding strand, the complement: KMT2D is on the minus strand). VCF-style: chr12-49024944-C-A. GRCh37 (hg19) VCF-style: chr12-49418727-C-A.
Other names: short protein forms V5263L.
Identifiers: ClinVar variation 2077919 (VCV002077919.3), dbSNP rs398123731, ClinGen allele CA384683538.